The following is an entry in ClinVar:

NM_000465.4(BARD1):c.2129A>T (p.Asp710Val)

Gene: BARD1 (BRCA1 associated RING domain 1; minus strand). Cytogenetic location: 2q35.
Variant type: single nucleotide variant.
Coding change: c.2129A>T on transcript NM_000465.4 (MANE Select); coding-DNA position 2129, A replaced by T.
Protein change: p.Asp710Val; replaces aspartic acid 710 with valine.
Molecular consequence: missense variant. On other transcripts: non-coding transcript variant (3).
Genome position (GRCh38, 1-based): chr2:214,728,881, T>A on the plus strand (A>T on the coding strand, the complement: BARD1 is on the minus strand). VCF-style: chr2-214728881-T-A. GRCh37 (hg19) VCF-style: chr2-215593605-T-A.
Other names: c.2072A>T, p.Asp691Val (NM_001282543.2); c.776A>T, p.Asp259Val (NM_001282545.2); c.719A>T, p.Asp240Val (NM_001282548.2); c.590A>T, p.Asp197Val (NM_001282549.2); short protein forms D710V, D691V, D197V, D240V, D259V.
Identifiers: ClinVar variation 142456 (VCV000142456.30), dbSNP rs150121935, ClinGen allele CA168404.

ClinVar aggregate classification (germline): Conflicting classifications of pathogenicity. Review status: criteria provided, conflicting classifications (1 of 4 stars). 11 submissions from 11 submitters: Uncertain significance (8); Likely benign (1). 2 of the submissions do not count toward it. Last evaluated 2026-02-02.

Conditions:
BARD1-related cancer predisposition. Identifiers: MedGen CN377756, MONDO:0700267.
Hereditary cancer-predisposing syndrome. Also called: Neoplastic Syndromes, Hereditary; Tumor predisposition; Hereditary Cancer Syndrome; Hereditary neoplastic syndrome. Identifiers: Orphanet 140162, MedGen C0027672, MeSH D009386, MONDO:0015356.
Familial cancer of breast. Also called: BREAST CANCER, FAMILIAL; Hereditary breast cancer; hereditary breast carcinoma. Identifiers: Orphanet 227535, MedGen C0346153, MONDO:0016419, OMIM 114480. Disease mechanism: loss of function.

Allele frequency attached by ClinVar (database versions not stated): TOPMed below 0.00001; gnomAD 0.00001; gnomAD exomes 0.00001 and 0.00002; ESP Exome Variant Server 0.00008.
gnomAD v4.1: 37 of 1,614,088 alleles (0.0023%); highest among the groups gnomAD compares: Non-Finnish European, 0.003%; no homozygotes.

Submissions (11):

Labcorp Genetics (formerly Invitae), Labcorp
Classification: Uncertain significance for Familial cancer of breast. Last evaluated: 2026-02-02. Review status: criteria provided, single submitter. Criteria: Invitae Variant Classification Sherloc (09022015). Collection method: clinical testing. Allele origin: germline.
Comment: This sequence change replaces aspartic acid, which is acidic and polar, with valine, which is neutral and non-polar, at codon 710 of the BARD1 protein (p.Asp710Val). This variant is present in population databases (rs150121935, gnomAD 0.0009%). This variant has not been reported in the literature in individuals affected with BARD1-related conditions. ClinVar contains an entry for this variant (Variation ID: 142456). An algorithm developed to predict the effect of missense changes on protein structure and function (PolyPhen-2) suggests that this variant is likely to be disruptive. In summary, the available evidence is currently insufficient to determine the role of this variant in disease. Therefore, it has been classified as a Variant of Uncertain Significance.

Molecular Pathology, Peter Maccallum Cancer Centre
Classification: Uncertain significance for BARD1-related cancer predisposition. Last evaluated: 2025-03-06. Review status: criteria provided, single submitter. Criteria: ACMG Guidelines, 2015. Collection method: clinical testing. Allele origin: germline. Inheritance: Autosomal dominant inheritance.

Ambry Genetics
Classification: Uncertain significance for Hereditary cancer-predisposing syndrome. Last evaluated: 2024-11-19. Review status: criteria provided, single submitter. Criteria: Ambry Variant Classification Scheme 2023. Collection method: clinical testing. Allele origin: germline.
Comment: The p.D710V variant (also known as c.2129A>T), located in coding exon 11 of the BARD1 gene, results from an A to T substitution at nucleotide position 2129. The aspartic acid at codon 710 is replaced by valine, an amino acid with highly dissimilar properties. This amino acid position is highly conserved in available vertebrate species. In addition, the in silico prediction for this alteration is inconclusive. Since supporting evidence is limited at this time, the clinical significance of this alteration remains unclear.

Department of Pathology and Laboratory Medicine, Sinai Health System
Classification: Uncertain significance for BARD1-related cancer predisposition. Last evaluated: 2024-08-08. Review status: criteria provided, single submitter. Criteria: ACMG Guidelines, 2015. Collection method: clinical testing. Allele origin: germline.

GeneDx
Classification: Uncertain significance. Last evaluated: 2023-11-21. Review status: criteria provided, single submitter. Criteria: GeneDx Variant Classification Process June 2021. Collection method: clinical testing. Allele origin: germline. Affected: yes.
Comment: Not observed at significant frequency in large population cohorts (gnomAD); In silico analysis supports that this missense variant has a deleterious effect on protein structure/function; Absent from cases but observed in controls in an ovarian cancer case-control study (PMID: 26315354); This variant is associated with the following publications: (PMID: 23056176, 17550235, 26315354)

Baylor Genetics
Classification: Uncertain significance for Familial cancer of breast. Last evaluated: 2023-10-22. Review status: criteria provided, single submitter. Criteria: ACMG Guidelines, 2015. Collection method: clinical testing. Allele origin: unknown.

Myriad Genetics, Inc.
Classification: Likely benign for Familial cancer of breast. Last evaluated: 2023-02-24. Review status: criteria provided, single submitter. Criteria: Myriad Autosomal Dominant, Autosomal Recessive and X-Linked Classification Criteria (2023). Collection method: clinical testing. Allele origin: unknown.
Comment: This variant is considered likely benign. This variant is strongly associated with less severe personal and family histories of cancer, typical for individuals without pathogenic variants in this gene [PMID: 25085752].

Color Diagnostics, LLC DBA Color Health
Classification: Uncertain significance for Hereditary cancer-predisposing syndrome. Last evaluated: 2021-10-19. Review status: criteria provided, single submitter. Criteria: ACMG Guidelines, 2015. Collection method: clinical testing. Allele origin: germline.
Comment: This missense variant replaces aspartic acid with valine at codon 710 of the BARD1 protein. Computational prediction suggests that this variant may not impact protein structure and function (internally defined REVEL score threshold <= 0.5, PMID: 27666373). To our knowledge, functional studies have not been reported for this variant. This variant has not been reported in individuals affected with hereditary cancer in the literature. In a large breast cancer case-control study, this variant was identified in 6/60460 cases, 6/53455 controls (PMID: 33471991 - Leiden Open Variation Database DB-ID BARD1_000084). This variant has been identified in 2/251362 chromosomes in the general population by the Genome Aggregation Database (gnomAD). The available evidence is insufficient to determine the role of this variant in disease conclusively. Therefore, this variant is classified as a Variant of Uncertain Significance.

Women's Health and Genetics/Laboratory Corporation of America, LabCorp
Classification: Uncertain significance. Last evaluated: 2019-06-28. Review status: criteria provided, single submitter. Criteria: LabCorp Variant Classification Summary - May 2015. Collection method: clinical testing. Allele origin: germline.
Comment: Variant summary: BARD1 c.2129A>T (p.Asp710Val) results in a non-conservative amino acid change located in the BRCT domain of the encoded protein sequence. Five of five in-silico tools predict a damaging effect of the variant on protein function. The variant allele was found at a frequency of 8e-06 in 251362 control chromosomes. The available data on variant occurrences in the general population are insufficient to allow any conclusion about variant significance. To our knowledge, no occurrence of c.2129A>T in individuals affected with Breast Cancer and no experimental evidence demonstrating its impact on protein function have been reported. Four ClinVar submissions (evaluation after 2014) cite the variant as uncertain significance. Based on the evidence outlined above, the variant was classified as uncertain significance.

Zotz-Klimas Genetics Lab, MVZ Zotz Klimas
Classification: Uncertain significance for Familial cancer of breast. Last evaluated: 2023-10-09. Review status: no assertion criteria provided. Collection method: clinical testing. Allele origin: germline. Affected: yes. Not counted in ClinVar's aggregate classification.

Counsyl
Classification: Uncertain significance for Familial cancer of breast. Last evaluated: 2017-05-30. Review status: no assertion criteria provided. Collection method: clinical testing. Allele origin: unknown. Not counted in ClinVar's aggregate classification.

Literature cited by the submitters: PubMed 26315354 (cited by Department of Pathology and Laboratory Medicine, Sinai Health System and Women's Health and Genetics/Laboratory Corporation of America, LabCorp); PubMed 33471991 (cited by Department of Pathology and Laboratory Medicine, Sinai Health System and Color Diagnostics, LLC DBA Color Health); PubMed 25085752 (cited by Myriad Genetics, Inc.); PubMed 23056176 (cited by Women's Health and Genetics/Laboratory Corporation of America, LabCorp).